The following is an entry in ClinVar:

NM_000218.3(KCNQ1):c.850G>A (p.Glu284Lys)

Gene: KCNQ1 (potassium voltage-gated channel subfamily Q member 1; plus strand). Cytogenetic location: 11p15.5.
Variant type: single nucleotide variant.
Coding change: c.850G>A on transcript NM_000218.3 (MANE Select); coding-DNA position 850, G replaced by A.
Protein change: p.Glu284Lys; replaces glutamic acid 284 with lysine.
Molecular consequence: missense variant.
Genome position (GRCh38, 1-based): chr11:2,572,915, G>A. VCF-style: chr11-2572915-G-A. GRCh37 (hg19) VCF-style: chr11-2594145-G-A.
Other names: p.E284K:GAG>AAG; c.850G>A (LRG_287t1); c.850G>A, p.Glu284Lys (NM_001406836.1); c.580G>A, p.Glu194Lys (NM_001406837.1); c.469G>A, p.Glu157Lys (NM_181798.2); short protein forms E284K, E157K, E194K.
Identifiers: ClinVar variation 67115 (VCV000067115.17), dbSNP rs199472734, ClinGen allele CA008486.
Genomic context (GRCh38, chr11:2,572,915, plus strand): 5'-ACCACCCTGTACATCGGCTTCCTGGGCCTCATCTTCTCCTCGTACTTTGTGTACCTGGCT[G>A]AGAAGGACGCGGTGAACGAGTCAGGCCGCGTGGAGTTCGGCAGCTACGCAGATGCGCTGT-3'
Protein context (NP_000209.2, residues 274-294): IFSSYFVYLA[Glu284Lys]KDAVNESGRV

ClinVar aggregate classification (germline): Pathogenic/Likely pathogenic. Review status: criteria provided, multiple submitters, no conflicts (2 of 4 stars). 4 submissions from 4 submitters: Pathogenic (1); Likely pathogenic (2). 1 of the submissions does not count toward it. Last evaluated 2026-10-06.

Conditions:
Cardiovascular phenotype. Identifiers: MedGen CN230736.
Familial long QT syndrome (RWS). Also called: Congenital long QT syndrome; Romano-Ward syndrome; VENTRICULAR FIBRILLATION WITH PROLONGED QT INTERVAL. Identifiers: Orphanet 768, MedGen C1141890, MONDO:0019171.
Long QT syndrome (LQTS). Identifiers: MedGen C0023976, MeSH D008133, MONDO:0002442. Disease mechanism: loss of function. Inheritance: Various modes of inheritance.

Submissions (4):

GeneDx
Classification: Likely pathogenic. Last evaluated: 2026-10-06. Review status: criteria provided, single submitter. Criteria: GeneDx Variant Classification Process June 2021. Collection method: clinical testing. Allele origin: germline.
Comment: Identified in patients with Long QT syndrome referred for genetic testing at GeneDx and in published literature (PMID: 14678125, 17470695, 26669661, 20541041); Not observed at significant frequency in large population cohorts (gnomAD); In silico analysis supports that this missense variant has a deleterious effect on protein structure/function; This variant is associated with the following publications: (PMID: 23631430, 14678125, 17470695, 19490272, 19862833, 19815527, 21185501, 22456477, 26669661, 28217227, 26318259, 20541041, 36102233, 29925740)

Labcorp Genetics (formerly Invitae), Labcorp
Classification: Pathogenic for Long QT syndrome. Last evaluated: 2025-09-23. Review status: criteria provided, single submitter. Criteria: Invitae Variant Classification Sherloc (09022015). Collection method: clinical testing. Allele origin: germline.
Comment: This sequence change replaces glutamic acid, which is acidic and polar, with lysine, which is basic and polar, at codon 284 of the KCNQ1 protein (p.Glu284Lys). This variant is not present in population databases (gnomAD no frequency). This missense change has been observed in individuals with long QT syndrome (PMID: 14678125, 17470695; internal data). ClinVar contains an entry for this variant (Variation ID: 67115). Invitae Evidence Modeling of protein sequence and biophysical properties (such as structural, functional, and spatial information, amino acid conservation, physicochemical variation, residue mobility, and thermodynamic stability) indicates that this missense variant is expected to disrupt KCNQ1 protein function with a positive predictive value of 95%. For these reasons, this variant has been classified as Pathogenic.

Ambry Genetics
Classification: Likely pathogenic for Cardiovascular phenotype. Last evaluated: 2023-01-17. Review status: criteria provided, single submitter. Criteria: Ambry Variant Classification Scheme 2023. Collection method: clinical testing. Allele origin: germline.
Comment: The p.E284K variant (also known as c.850G>A), located in coding exon 6 of the KCNQ1 gene, results from a G to A substitution at nucleotide position 850. The glutamic acid at codon 284 is replaced by lysine, an amino acid with similar properties, and is located in S5 pore region. This variant has been detected in individuals from long QT syndrome (LQTS) cohorts; however, details were limited (Zareba W et al. J. Cardiovasc Electrophysiol. 2003 Nov;14:1149-53; Moss AJ et al. Circulation. 2007 May;115:2481-9; Ozawa J et al. Circ J. 2018 08;82:2269-2276; Yee LA et al. J Am Heart Assoc. 2022 Sep;11(18):e025108; GeneDx pers. comm.). This variant co-occurred with a variant in SCN5A in two siblings, one of which was reportedly symptomatic with a QTc of 478ms while the other was asymptomatic with QTc 430ms (Itoh H et al. Heart Rhythm. 2010 Oct;7:1411-8). Based on internal structural analysis, this variant is predicted to be more disruptive than other known pathogenic variants (Sun J et al. Cell. 2017 Jun;169(6):1042-1050.e9). This variant is considered to be rare based on population cohorts in the Genome Aggregation Database (gnomAD). This amino acid position is highly conserved in available vertebrate species. In addition, this alteration is predicted to be deleterious by in silico analysis. Based on the majority of available evidence to date, this variant is likely to be pathogenic.

Cardiovascular Biomedical Research Unit, Royal Brompton & Harefield NHS Foundation Trust
No classification provided. Condition: Familial long QT syndrome. Review status: no classification provided. Collection method: literature only. Allele origin: germline. Not counted in ClinVar's aggregate classification.
Comment: This variant has been reported as associated with Long QT syndrome in the following publications (PMID:14678125;PMID:17470695). This is a literature report, and does not necessarily reflect the clinical interpretation of the Imperial College / Royal Brompton Cardiovascular Genetics laboratory.

Literature cited by the submitters: PubMed 14678125 (cited by 3 submitters); PubMed 17470695 (cited by 3 submitters); PubMed 19490272 (cited by Ambry Genetics); PubMed 20486126 (cited by Ambry Genetics); PubMed 20541041 (cited by Ambry Genetics); PubMed 21185501 (cited by Ambry Genetics); PubMed 22456477 (cited by Ambry Genetics); PubMed 22581653 (cited by Ambry Genetics and Cardiovascular Biomedical Research Unit, Royal Brompton & Harefield NHS Foundation Trust); PubMed 26669661 (cited by Ambry Genetics); PubMed 28217227 (cited by Ambry Genetics); PubMed 28575668 (cited by Ambry Genetics); PubMed 29925740 (cited by Ambry Genetics); PubMed 36102233 (cited by Ambry Genetics).